The following is an entry in ClinVar:

ClinVar aggregate classification (germline): Pathogenic (1 of 4 stars; one submission).

Conditions:
Neurodevelopmental disorder with hypotonia, stereotypic hand movements, and impaired language. Also called: Intellectual disability, autosomal dominant 20. Identifiers: Orphanet 228384, Orphanet 664410, MedGen C3150700, MONDO:0013266, OMIM 613443.

Submission:

Labcorp Genetics (formerly Invitae), Labcorp
Classification: Pathogenic for Neurodevelopmental disorder with hypotonia, stereotypic hand movements, and impaired language. Last evaluated: 2024-10-22. Review status: criteria provided, single submitter. Criteria: Invitae Variant Classification Sherloc (09022015). Collection method: clinical testing. Allele origin: germline.
Comment: This sequence change creates a premature translational stop signal (p.Asn214Thrfs*19) in the MEF2C gene. It is expected to result in an absent or disrupted protein product. Loss-of-function variants in MEF2C are known to be pathogenic (PMID: 20513142). This variant is not present in population databases (gnomAD no frequency). This variant has not been reported in the literature in individuals affected with MEF2C-related conditions. ClinVar contains an entry for this variant (Variation ID: 1992493). For these reasons, this variant has been classified as Pathogenic.

Literature cited by the submitters: PubMed 20513142.

NC_000005.10:g.88731902del

Gene: MEF2C (myocyte enhancer factor 2C; minus strand). Cytogenetic location: 5q14.3.
Variant type: Deletion.
Genome position: GRCh38 VCF-style: chr5-88731899-TC-T. GRCh37 (hg19) VCF-style: chr5-88027716-TC-T.
Identifiers: ClinVar variation 1992493 (VCV001992493.4), dbSNP rs2547089089, ClinGen allele CA2580073843.